The following is an entry in ClinVar:

ClinVar aggregate classification (germline): Uncertain significance (1 of 4 stars; one submission).

Submission:

Labcorp Genetics (formerly Invitae), Labcorp
Classification: Uncertain significance. Last evaluated: 2025-09-21. Review status: criteria provided, single submitter. Criteria: Invitae Variant Classification Sherloc (09022015). Collection method: clinical testing. Allele origin: germline.
Comment: This sequence change replaces proline, which is neutral and non-polar, with arginine, which is basic and polar, at codon 182 of the EBP protein (p.Pro182Arg). This variant is not present in population databases (gnomAD no frequency). This variant has not been reported in the literature in individuals affected with EBP-related conditions. Invitae Evidence Modeling of protein sequence and biophysical properties (such as structural, functional, and spatial information, amino acid conservation, physicochemical variation, residue mobility, and thermodynamic stability) indicates that this missense variant is expected to disrupt EBP protein function with a positive predictive value of 95%. In summary, the available evidence is currently insufficient to determine the role of this variant in disease. Therefore, it has been classified as a Variant of Uncertain Significance.

NM_006579.3(EBP):c.545C>G (p.Pro182Arg)

Gene: EBP (EBP cholestenol delta-isomerase; plus strand). Cytogenetic location: Xp11.23.
Variant type: single nucleotide variant.
Coding change: c.545C>G on transcript NM_006579.3 (MANE Select); coding-DNA position 545, C replaced by G.
Protein change: p.Pro182Arg; replaces proline 182 with arginine.
Molecular consequence: missense variant.
Genome position (GRCh38, 1-based): chrX:48,528,309, C>G. VCF-style: chrX-48528309-C-G. GRCh37 (hg19) VCF-style: chrX-48386697-C-G.
Other names: short protein forms P182R.
Identifiers: ClinVar variation 4804972 (VCV004804972.1).